The following is an entry in ClinVar:

NM_033004.4(NLRP1):c.1304CGG[3] (p.Ala436_Asp437insAla)

Gene: NLRP1 (NLR family pyrin domain containing 1; minus strand). Cytogenetic location: 17p13.2.
Variant type: Microsatellite.
Coding change: c.1304CGG[3] on transcript NM_033004.4 (MANE Select); three copies in a row of the 3-base unit CGG starting at c.1304; the reference has two copies in a row; one copy, 3 bases duplicated.
Protein change: p.Ala436_Asp437insAla.
Molecular consequence: inframe insertion.
Genome position (GRCh38, 1-based): chr17:5,559,387-5,559,389, CCG duplicated on the plus strand (CGG on the coding strand, the reverse complement: NLRP1 is on the minus strand); duplicating any 3 consecutive bases within chr17:5,559,387-5,559,392 gives the same sequence; the position shown is the placement nearest the transcript's 3' end. VCF-style (leftmost placement, unchanged base first): chr17-5559386-T-TCCG. GRCh37 (hg19) VCF-style: chr17-5462706-T-TCCG.
Other names: c.1304CGG[3], p.Ala436_Asp437insAla (NM_001033053.3, NM_014922.5, NM_033006.4 and 1 more transcripts).
Identifiers: ClinVar variation 4710185 (VCV004710185.1).
Genomic context (GRCh38, chr17:5,559,386, plus strand): 5'-GTGATCAGGAAGGATGCCTCGGGAAGTATAGTTTTCCCCAGCAAACTGCCCAGCAGTGCA[T>TCCG]CCGCCGGCTGTGGCTGGCTCCAGTGCAGACAGAGCTCAGAACTCGGCTCCTGCAAGACCC-3'

ClinVar aggregate classification (germline): Uncertain significance (1 of 4 stars; one submission).

Submission:

Labcorp Genetics (formerly Invitae), Labcorp
Classification: Uncertain significance. Last evaluated: 2025-03-28. Review status: criteria provided, single submitter. Criteria: Invitae Variant Classification Sherloc (09022015). Collection method: clinical testing. Allele origin: germline.
Comment: This variant, c.1307_1309dup, results in the insertion of 1 amino acid(s) of the NLRP1 protein (p.Ala436dup), but otherwise preserves the integrity of the reading frame. This variant is not present in population databases (gnomAD no frequency). This variant has not been reported in the literature in individuals affected with NLRP1-related conditions. In summary, the available evidence is currently insufficient to determine the role of this variant in disease. Therefore, it has been classified as a Variant of Uncertain Significance.